The following is an entry in ClinVar:

NM_206937.2(LIG4):c.971A>G (p.Gln324Arg)

Gene: LIG4 (DNA ligase 4; minus strand). Cytogenetic location: 13q33.3.
Variant type: single nucleotide variant.
Coding change: c.971A>G on transcript NM_206937.2 (MANE Select); coding-DNA position 971, A replaced by G.
Protein change: p.Gln324Arg; replaces glutamine 324 with arginine.
Molecular consequence: missense variant.
Genome position (GRCh38, 1-based): chr13:108,210,298, T>C on the plus strand (A>G on the coding strand, the complement: LIG4 is on the minus strand). VCF-style: chr13-108210298-T-C. GRCh37 (hg19) VCF-style: chr13-108862646-T-C.
Other names: c.971A>G, p.Gln324Arg (NM_001098268.2, NM_001352598.2, NM_001352599.2 and 6 more transcripts); c.770A>G, p.Gln257Arg (NM_001330595.2); c.1007A>G, p.Gln336Arg (NM_001352604.2); short protein forms Q257R, Q324R, Q336R.
Identifiers: ClinVar variation 985775 (VCV000985775.4), dbSNP rs1878495689, ClinGen allele CA388619033.

ClinVar aggregate classification (germline): Uncertain significance (1 of 4 stars; one submission).

Conditions:
Inborn genetic diseases. Identifiers: MedGen C0950123, MeSH D030342.

Submission:

Ambry Genetics
Classification: Uncertain significance for Inborn genetic diseases. Last evaluated: 2020-03-17. Review status: criteria provided, single submitter. Criteria: Ambry Variant Classification Scheme 2023. Collection method: clinical testing. Allele origin: germline.
Comment: The alteration results in an amino acid change:_x000D_ _x000D_ The c.971A>G (p.Q324R) alteration is located in exon 2 (coding exon 1) of the LIG4 gene. This alteration results from an A to G substitution at nucleotide position 971, causing the glutamine (Q) at amino acid position 324 to be replaced by an arginine (R). The alteration is not observed in population databases:_x000D_ _x000D_ Based on data from the Genome Aggregation Database (gnomAD), the LIG4 c.971A>G alteration was not observed, with coverage at this position. The altered amino acid is not conserved throughout evolution:_x000D_ _x000D_ The p.Q324 amino acid is not conserved in available vertebrate species. The alteration is predicted tolerated by in silico modeling:_x000D_ _x000D_ The p.Q324R alteration is predicted to be tolerated by in silico analysis. Based on insufficient or conflicting evidence, the clinical significance of this alteration remains unclear.